The following is an entry in ClinVar:

NM_001142556.2(HMMR):c.549+2T>C

Gene: HMMR (hyaluronan mediated motility receptor; plus strand). Cytogenetic location: 5q34.
Variant type: single nucleotide variant.
Coding change: c.549+2T>C on transcript NM_001142556.2 (MANE Select); the canonical splice donor site of the intron after coding-DNA position 549, T replaced by C.
Molecular consequence: splice donor variant.
Genome position (GRCh38, 1-based): chr5:163,471,273, T>C. VCF-style: chr5-163471273-T-C. GRCh37 (hg19) VCF-style: chr5-162898279-T-C.
Other names: c.546+2T>C (NM_012484.3); c.501+2T>C (NM_012485.3); c.288+2T>C (NM_001142557.2).
Identifiers: ClinVar variation 4056738 (VCV004056738.1).
Genomic context (GRCh38, chr5:163,471,273, plus strand): 5'-TGAGAATTCTAAGCTTGGAGTTGATGAAACTTAGAAACAAAAGAGAAACAAAGATGAGGG[T>C]GAGTGCTGCCCTTGGCAGGTTTGCTGTGTCTGGATCTGGGGATCAGTACAACTTTCTCAT-3'

ClinVar aggregate classification (germline): Uncertain significance (1 of 4 stars; one submission).

Conditions:
Familial cancer of breast. Also called: BREAST CANCER, FAMILIAL; Hereditary breast cancer; hereditary breast carcinoma. Identifiers: Orphanet 227535, MedGen C0346153, MONDO:0016419, OMIM 114480. Disease mechanism: loss of function.

gnomAD v4.1: 30 of 1,610,256 alleles (0.0019%); highest among the groups gnomAD compares: African/African-American, 0.036%; no homozygotes.

Submission:

Laboratorio de Genetica e Diagnostico Molecular, Hospital Israelita Albert Einstein
Classification: Uncertain significance for Familial cancer of breast. Last evaluated: 2025-03-13. Review status: criteria provided, single submitter. Criteria: ACMG Guidelines, 2015. Collection method: clinical testing. Allele origin: germline. Affected: yes.
Comment: ACMG classification criteria: PM2 supporting, PP3 supporting